The following is an entry in ClinVar:

ClinVar aggregate classification (germline): Uncertain significance (1 of 4 stars; one submission).

Conditions:
Inborn genetic diseases. Identifiers: MedGen C0950123, MeSH D030342.

Allele frequency attached by ClinVar (database versions not stated): gnomAD 0.00001; gnomAD exomes 0.00001; TOPMed 0.00001.
gnomAD v4.1: 10 of 1,610,068 alleles (0.00062%); highest among the groups gnomAD compares: East Asian, 0.0022%; no homozygotes.

Submission:

Ambry Genetics
Classification: Uncertain significance for Inborn genetic diseases. Last evaluated: 2022-09-02. Review status: criteria provided, single submitter. Criteria: Ambry Variant Classification Scheme 2023. Collection method: clinical testing. Allele origin: germline.
Comment: The c.2859+3A>G intronic alteration consists of a A to G substitution 3 nucleotides after exon 12 (coding exon 10) of the MTCL1 gene. Based on insufficient or conflicting evidence, the clinical significance of this alteration remains unclear.

NM_001395333.1(MTCL1):c.3939+3A>G

Gene: MTCL1 (microtubule crosslinking factor 1; plus strand). Cytogenetic location: 18p11.22.
Variant type: single nucleotide variant.
Coding change: c.3939+3A>G on transcript NM_001395333.1 (MANE Select); 3 bases into the intron after coding-DNA position 3939, A replaced by G.
Molecular consequence: intron variant.
Genome position (GRCh38, 1-based): chr18:8,813,236, A>G. VCF-style: chr18-8813236-A-G. GRCh37 (hg19) VCF-style: chr18-8813234-A-G.
Other names: c.3939+3A>G (NM_001378206.1); c.3816+3A>G (NM_001378205.1, NM_001378207.1); c.2736+3A>G (NM_001395220.1); c.2859+3A>G (NM_015210.4).
Identifiers: ClinVar variation 2298966 (VCV002298966.2), dbSNP rs747190503, ClinGen allele CA8886442.